The following is an entry in ClinVar:

ClinVar aggregate classification (germline): Uncertain significance (1 of 4 stars; one submission).

Conditions:
Hyperphosphatasia with impaired intellectual development syndrome 2. Also called: Hyperphosphatasia with intellectual disability syndrome 2; GLYCOSYLPHOSPHATIDYLINOSITOL BIOSYNTHESIS DEFECT 6. Identifiers: Orphanet 247262, MedGen C3553637, MONDO:0013882, OMIM 614749.

Allele frequency attached by ClinVar (database versions not stated): TOPMed 0.00001; gnomAD 0.00002.
gnomAD v4.1: 4 of 1,614,114 alleles (0.00025%); highest among the groups gnomAD compares: African/African-American, 0.004%; no homozygotes.

Submission:

Labcorp Genetics (formerly Invitae), Labcorp
Classification: Uncertain significance for Hyperphosphatasia with impaired intellectual development syndrome 2. Last evaluated: 2021-09-01. Review status: criteria provided, single submitter. Criteria: Invitae Variant Classification Sherloc (09022015). Collection method: clinical testing. Allele origin: germline.
Comment: This sequence change replaces alanine with glutamic acid at codon 540 of the PIGO protein (p.Ala540Glu). The alanine residue is moderately conserved and there is a moderate physicochemical difference between alanine and glutamic acid. This variant is not present in population databases (ExAC no frequency). This variant has not been reported in the literature in individuals affected with PIGO-related conditions. Algorithms developed to predict the effect of missense changes on protein structure and function (SIFT, PolyPhen-2, Align-GVGD) all suggest that this variant is likely to be tolerated. In summary, the available evidence is currently insufficient to determine the role of this variant in disease. Therefore, it has been classified as a Variant of Uncertain Significance.

NM_032634.4(PIGO):c.1619C>A (p.Ala540Glu)

Gene: PIGO (phosphatidylinositol glycan anchor biosynthesis class O; minus strand). Cytogenetic location: 9p13.3.
Variant type: single nucleotide variant.
Coding change: c.1619C>A on transcript NM_032634.4 (MANE Select); coding-DNA position 1619, C replaced by A.
Protein change: p.Ala540Glu; replaces alanine 540 with glutamic acid.
Molecular consequence: missense variant. On other transcripts: intron variant (2).
Genome position (GRCh38, 1-based): chr9:35,092,268, G>T on the plus strand (C>A on the coding strand, the complement: PIGO is on the minus strand). VCF-style: chr9-35092268-G-T. GRCh37 (hg19) VCF-style: chr9-35092265-G-T.
Other names: c.1344+275C>A (NM_152850.4, NM_001201484.2); short protein forms A540E.
Identifiers: ClinVar variation 1036683 (VCV001036683.6), dbSNP rs1488869656, ClinGen allele CA373321752.
Genomic context (GRCh38, chr9:35,092,268, plus strand): 5'-AACACAGCCAAGCGAAACAGCAGGAGTAACAGGACGGGCCCAGGGATGGGAAACAGGGTT[G>T]CCAGGGGCCTCTTGGACCCCCAGCCAGCCCAGGCTTTCCACAGAAAAGGGAGGAATGAGC-3'
Protein context (NP_116023.2, residues 530-550): WAGWGSKRPL[Ala540Glu]TLFPIPGPVL